The following is an entry in ClinVar:

ClinVar aggregate classification (germline): Uncertain significance. Review status: criteria provided, multiple submitters, no conflicts (2 of 4 stars). 2 submissions from 2 submitters: Uncertain significance (2). Last evaluated 2025-06-30.

Conditions:
Familial hypercholesterolemia. Also called: Familial hypercholesterolemias; Familial hypercholesterolaemia. Identifiers: MedGen C0020445, MONDO:0005439.
Hypercholesterolemia, autosomal dominant, 3 (FHCL3). Also called: PCSK9-Related Familial Hypercholesterolemia, Autosomal Dominant; Familial Hypercholesterolemia, Autosomal Dominant, 3; Familial hypercholesterolemia 3. Identifiers: MedGen C1863551, MONDO:0011369, OMIM 603776.

Allele frequency attached by ClinVar (database versions not stated): gnomAD 0.00001.
gnomAD v4.1: 60 of 1,557,856 alleles (0.0039%); highest among the groups gnomAD compares: Non-Finnish European, 0.0051%; no homozygotes.

Submissions (2):

Color Diagnostics, LLC DBA Color Health
Classification: Uncertain significance for Familial hypercholesterolemia. Last evaluated: 2025-06-30. Review status: criteria provided, single submitter. Criteria: ACMG Guidelines, 2015. Collection method: clinical testing. Allele origin: germline.
Comment: This variant causes a G to C nucleotide substitution at the +6 position of intron 1/11 of the PCSK9 gene. To our knowledge, functional studies have not been reported for this variant. This variant has not been reported in individuals affected with PCSK9-related disorders in the literature. This variant has been identified in 2/161366 chromosomes in the general population by the Genome Aggregation Database (gnomAD). The available evidence is insufficient to determine the role of this variant in disease conclusively. Therefore, this variant is classified as a Variant of Uncertain Significance.

Labcorp Genetics (formerly Invitae), Labcorp
Classification: Uncertain significance for Hypercholesterolemia, autosomal dominant, 3. Last evaluated: 2020-01-16. Review status: criteria provided, single submitter. Criteria: Invitae Variant Classification Sherloc (09022015). Collection method: clinical testing. Allele origin: germline.
Comment: This sequence change falls in intron 1 of the PCSK9 gene. It does not directly change the encoded amino acid sequence of the PCSK9 protein, but it affects a nucleotide within the consensus splice site of the intron. This variant is not present in population databases (ExAC no frequency). This variant has not been reported in the literature in individuals with PCSK9-related conditions. Nucleotide substitutions within the consensus splice site are a relatively common cause of aberrant splicing (PMID: 17576681, 9536098). Algorithms developed to predict the effect of sequence changes on RNA splicing suggest that this variant is not likely to affect RNA splicing, but this prediction has not been confirmed by published transcriptional studies. In summary, the available evidence is currently insufficient to determine the role of this variant in disease. Therefore, it has been classified as a Variant of Uncertain Significance.

Literature cited by the submitters: PubMed 17576681 (cited by Labcorp Genetics (formerly Invitae), Labcorp); PubMed 9536098 (cited by Labcorp Genetics (formerly Invitae), Labcorp).

NM_174936.4(PCSK9):c.207+6G>C

Gene: PCSK9 (proprotein convertase subtilisin/kexin type 9; plus strand). Cytogenetic location: 1p32.3.
Variant type: single nucleotide variant.
Coding change: c.207+6G>C on transcript NM_174936.4 (MANE Select); 6 bases into the intron after coding-DNA position 207, G replaced by C.
Molecular consequence: intron variant.
Genome position (GRCh38, 1-based): chr1:55,040,050, G>C. VCF-style: chr1-55040050-G-C. GRCh37 (hg19) VCF-style: chr1-55505723-G-C.
Identifiers: ClinVar variation 1055084 (VCV001055084.9), dbSNP rs1306315743, ClinGen allele CA522960423.